The following is an entry in ClinVar:

NM_207352.4(CYP4V2):c.*741C>T

Genes: CYP4V2 (cytochrome P450 family 4 subfamily V member 2; plus strand), KLKB1 (kallikrein B1; plus strand). Cytogenetic location: 4q35.2.
Variant type: single nucleotide variant.
Coding change: c.*741C>T on transcript NM_207352.4 (MANE Select); 741 bases downstream of the stop codon, C replaced by T.
Molecular consequence: 3 prime UTR variant.
Genome position (GRCh38, 1-based): chr4:186,211,382, C>T. VCF-style: chr4-186211382-C-T. GRCh37 (hg19) VCF-style: chr4-187132536-C-T.
Identifiers: ClinVar variation 348325 (VCV000348325.6), dbSNP rs10033581, ClinGen allele CA10620667.

ClinVar aggregate classification (germline): Benign. Review status: criteria provided, multiple submitters, no conflicts (2 of 4 stars). 3 submissions from 2 submitters: Benign (3). Last evaluated 2018-01-12.

Conditions:
Corneal dystrophy. Identifiers: Orphanet 34533, MedGen C0010036, MONDO:0018102, HP:0001131.
Bietti crystalline corneoretinal dystrophy (BCD). Also called: Bietti Crystalline Dystrophy; BIETTI TAPETORETINAL DEGENERATION WITH MARGINAL CORNEAL DYSTROPHY. Identifiers: Orphanet 41751, MedGen C1859486, MONDO:0008865, OMIM 210370.

Allele frequency attached by ClinVar (database versions not stated): gnomAD exomes 0.79688; TOPMed 0.81008; gnomAD 0.81342 and 0.81853; 1000 Genomes Project 30x 0.82152; 1000 Genomes Project 0.82728.
gnomAD v4.1: 124,449 of 151,752 alleles (82%); highest among the groups gnomAD compares: East Asian, 93%; 51,920 homozygotes.

Submissions (3):

Illumina Laboratory Services, Illumina
Classification: Benign for Corneal dystrophy. Last evaluated: 2018-01-12. Review status: criteria provided, single submitter. Criteria: ICSL Variant Classification Criteria 13 December 2019. Collection method: clinical testing. Allele origin: germline.
Comment: This variant was observed in the ICSL laboratory as part of a predisposition screen in an ostensibly healthy population. It had not been previously curated by ICSL or reported in the Human Gene Mutation Database (HGMD: prior to June 1st, 2018), and was therefore a candidate for classification through an automated scoring system. Utilizing variant allele frequency, disease prevalence and penetrance estimates, and inheritance mode, an automated score was calculated to assess if this variant is too frequent to cause the disease. Based on the score and internal cut-off values, a variant classified as benign is not then subjected to further curation. The score for this variant resulted in a classification of benign for this disease.

Illumina Laboratory Services, Illumina
Classification: Benign for Bietti crystalline corneoretinal dystrophy. Last evaluated: 2018-01-12. Review status: criteria provided, single submitter. Criteria: ICSL Variant Classification Criteria 13 December 2019. Collection method: clinical testing. Allele origin: germline.
Comment: the same text as in the submission from Illumina Laboratory Services, Illumina above.

Breakthrough Genomics
Classification: Benign. Review status: criteria provided, single submitter. Criteria: ACMG Guidelines, 2015. Collection method: not provided. Allele origin: germline. Inheritance: Autosomal recessive inheritance. Affected: yes.